The following is an entry in ClinVar:

ClinVar aggregate classification (germline): Benign. Review status: criteria provided, multiple submitters, no conflicts (2 of 4 stars). 3 submissions from 3 submitters: Benign (2). 1 of the submissions does not count toward it. Last evaluated 2019-08-15.

Allele frequency attached by ClinVar (database versions not stated): gnomAD 0.10546 and 0.10570; ExAC 0.07452; gnomAD exomes 0.07589 and 0.09584; 1000 Genomes Project 0.11222; ESP Exome Variant Server 0.14019.
gnomAD v4.1: 134,898 of 1,396,866 alleles (9.7%); highest among the groups gnomAD compares: Non-Finnish European, 10%; 7,864 homozygotes.

Submissions (3):

GeneDx
Classification: Benign. Last evaluated: 2019-08-15. Review status: criteria provided, single submitter. Criteria: GeneDx Variant Classification Process June 2021. Collection method: clinical testing. Allele origin: germline. Affected: yes.

Breakthrough Genomics
Classification: Benign. Review status: criteria provided, single submitter. Criteria: ACMG Guidelines, 2015. Collection method: not provided. Allele origin: germline. Inheritance: Autosomal recessive inheritance. Affected: yes.

Genetic Services Laboratory, University of Chicago
Classification: Likely benign. Review status: no assertion criteria provided. Collection method: clinical testing. Allele origin: germline. Inheritance: Autosomal recessive inheritance. Not counted in ClinVar's aggregate classification.
Comment: Likely benign based on allele frequency in 1000 Genomes Project or ESP global frequency and its presence in a patient with a rare or unrelated disease phenotype. NOT Sanger confirmed

NM_001184.4(ATR):c.1885+39T>C

Gene: ATR (ATR checkpoint kinase; minus strand). Cytogenetic location: 3q23.
Variant type: single nucleotide variant.
Coding change: c.1885+39T>C on transcript NM_001184.4 (MANE Select); 39 bases into the intron after coding-DNA position 1885, T replaced by C.
Molecular consequence: intron variant.
Genome position (GRCh38, 1-based): chr3:142,558,585, A>G on the plus strand (T>C on the coding strand, the complement: ATR is on the minus strand). VCF-style: chr3-142558585-A-G. GRCh37 (hg19) VCF-style: chr3-142277427-A-G.
Other names: c.1693+39T>C (NM_001354579.2).
Identifiers: ClinVar variation 157967 (VCV000157967.10), dbSNP rs73240318, ClinGen allele CA171344.
Genomic context (GRCh38, chr3:142,558,585, plus strand): 5'-AATAAATAAATAAATAAATAAATAAATAAATAAATAGATAGATAGATAGATAGATAGATA[A>G]ATAAAACAAACCACACACACATTCTTGTGAGCACTTACAATAGCTATCTGAAATCCTACA-3'